The following is an entry in ClinVar:

NM_173477.5(USH1G):c.1219C>T (p.Leu407Phe)

Gene: USH1G (USH1 protein network component sans; minus strand). Cytogenetic location: 17q25.1.
Variant type: single nucleotide variant.
Coding change: c.1219C>T on transcript NM_173477.5 (MANE Select); coding-DNA position 1219, C replaced by T.
Protein change: p.Leu407Phe; replaces leucine 407 with phenylalanine.
Molecular consequence: missense variant.
Genome position (GRCh38, 1-based): chr17:74,919,617, G>A on the plus strand (C>T on the coding strand, the complement: USH1G is on the minus strand). VCF-style: chr17-74919617-G-A. GRCh37 (hg19) VCF-style: chr17-72915712-G-A.
Other names: c.910C>T, p.Leu304Phe (NM_001282489.3); short protein forms L304F, L407F.
Identifiers: ClinVar variation 2128192 (VCV002128192.4), dbSNP rs1281459430, ClinGen allele CA400961426.

ClinVar aggregate classification (germline): Uncertain significance (1 of 4 stars; one submission).

Submission:

Labcorp Genetics (formerly Invitae), Labcorp
Classification: Uncertain significance. Last evaluated: 2022-10-25. Review status: criteria provided, single submitter. Criteria: Invitae Variant Classification Sherloc (09022015). Collection method: clinical testing. Allele origin: germline.
Comment: In summary, the available evidence is currently insufficient to determine the role of this variant in disease. Therefore, it has been classified as a Variant of Uncertain Significance. Advanced modeling of protein sequence and biophysical properties (such as structural, functional, and spatial information, amino acid conservation, physicochemical variation, residue mobility, and thermodynamic stability) performed at Invitae indicates that this missense variant is not expected to disrupt USH1G protein function. This variant has not been reported in the literature in individuals affected with USH1G-related conditions. This variant is not present in population databases (gnomAD no frequency). This sequence change replaces leucine, which is neutral and non-polar, with phenylalanine, which is neutral and non-polar, at codon 407 of the USH1G protein (p.Leu407Phe).